The following is an entry in ClinVar:

ClinVar aggregate classification (germline): Conflicting classifications of pathogenicity. Review status: criteria provided, conflicting classifications (1 of 4 stars). 2 submissions from 2 submitters: Uncertain significance (1); Likely benign (1). Last evaluated 2024-01-09.

Allele frequency attached by ClinVar (database versions not stated): gnomAD exomes below 0.00001; TOPMed 0.00002.
gnomAD v4.1: 3 of 1,518,842 alleles (0.0002%); highest among the groups gnomAD compares: Non-Finnish European, 0.00026%; no homozygotes.

Submissions (2):

Blueprint Genetics
Classification: Likely benign. Last evaluated: 2024-01-09. Review status: criteria provided, single submitter. Criteria: ACMG Guidelines, 2015. Collection method: clinical testing. Allele origin: germline.

Labcorp Genetics (formerly Invitae), Labcorp
Classification: Uncertain significance. Last evaluated: 2022-04-14. Review status: criteria provided, single submitter. Criteria: Invitae Variant Classification Sherloc (09022015). Collection method: clinical testing. Allele origin: germline.
Comment: In summary, the available evidence is currently insufficient to determine the role of this variant in disease. Therefore, it has been classified as a Variant of Uncertain Significance. Algorithms developed to predict the effect of sequence changes on RNA splicing suggest that this variant may create or strengthen a splice site. This variant has not been reported in the literature in individuals affected with RTTN-related conditions. This variant is not present in population databases (gnomAD no frequency). This sequence change affects codon 284 of the RTTN mRNA. It is a 'silent' change, meaning that it does not change the encoded amino acid sequence of the RTTN protein.

NM_173630.4(RTTN):c.852C>T (p.Ser284=)

Gene: RTTN (rotatin; minus strand). Cytogenetic location: 18q22.2.
Variant type: single nucleotide variant.
Coding change: c.852C>T on transcript NM_173630.4 (MANE Select); coding-DNA position 852, C replaced by T.
Protein change: p.Ser284=; no amino-acid change (serine 284 retained).
Molecular consequence: synonymous variant. On other transcripts: 5 prime UTR variant (1).
Genome position (GRCh38, 1-based): chr18:70,193,443, G>A on the plus strand (C>T on the coding strand, the complement: RTTN is on the minus strand). VCF-style: chr18-70193443-G-A. GRCh37 (hg19) VCF-style: chr18-67860679-G-A.
Other names: c.-1702C>T (NM_001318520.2).
Identifiers: ClinVar variation 1904762 (VCV001904762.6), dbSNP rs964067092, ClinGen allele CA301958888.